The following is an entry in ClinVar:

ClinVar aggregate classification (germline): Uncertain significance (1 of 4 stars; one submission).

Submission:

CeGaT Center for Human Genetics Tuebingen
Classification: Uncertain significance. Last evaluated: 2023-10-01. Review status: criteria provided, single submitter. Criteria: CeGaT Center For Human Genetics Tuebingen Variant Classification Criteria Version 2. Collection method: clinical testing. Allele origin: germline. Affected: yes. Observed: 1 variant allele.
Comment: DOCK2: PM2, BP4

NM_004946.3(DOCK2):c.169-30TTTTG[5]

Gene: DOCK2 (dedicator of cytokinesis 2; plus strand). Cytogenetic location: 5q35.1.
Variant type: Microsatellite.
Coding change: c.169-30TTTTG[5] on transcript NM_004946.3 (MANE Select); five copies in a row of the 5-base unit TTTTG starting at c.169-30.
Molecular consequence: intron variant.
Genome position: GRCh38 VCF-style: chr5-169670511-A-ATTTTG. GRCh37 (hg19) VCF-style: chr5-169097515-A-ATTTTG.
Identifiers: ClinVar variation 2656064 (VCV002656064.24), dbSNP rs72367961, ClinGen allele CA3553092.